The following is an entry in ClinVar:

NM_020366.4(RPGRIP1):c.2941C>T (p.Arg981Ter)

Gene: RPGRIP1 (RPGR interacting protein 1; plus strand). Cytogenetic location: 14q11.2.
Variant type: single nucleotide variant.
Coding change: c.2941C>T on transcript NM_020366.4 (MANE Select); coding-DNA position 2941, C replaced by T.
Protein change: p.Arg981Ter; replaces arginine 981 with a stop codon.
Molecular consequence: nonsense.
Genome position (GRCh38, 1-based): chr14:21,328,469, C>T. VCF-style: chr14-21328469-C-T. GRCh37 (hg19) VCF-style: chr14-21796628-C-T.
Other names: NP_065099.3:p.(Arg981Ter); c.919C>T, p.Arg307Ter (NM_001377523.1, NM_001377950.1); c.1867C>T, p.Arg623Ter (NM_001377948.1); c.1027C>T, p.Arg343Ter (NM_001377949.1); c.421C>T, p.Arg141Ter (NM_001377951.1); short protein forms R981*, R141*, R307*, R343*, R623*.
Identifiers: ClinVar variation 438163 (VCV000438163.32), dbSNP rs780667159, ClinGen allele CA7089380.
Genomic context (GRCh38, chr14:21,328,469, plus strand): 5'-GATCTTTCTATTCAGGATCAGATGGCATCTCCTGAGGTTCCCATTGAAGCTGGCCAGTAT[C>T]GATCTAAGAGAAAACCTCCTCATGGGGGAGAAAGAAAGGAGAAGGAGCACCAGGTTGTGA-3'

ClinVar aggregate classification (germline): Pathogenic. Review status: criteria provided, multiple submitters, no conflicts (2 of 4 stars). 10 submissions from 9 submitters: Pathogenic (7). 3 of the submissions do not count toward it. Last evaluated 2025-08-29.

Conditions:
RPGRIP1-related disorder. Also called: RPGRIP1-related condition.
Cone-rod dystrophy 13 (CORD13). Identifiers: Orphanet 1872, MedGen C2750720, MONDO:0011987, OMIM 608194.
Leber congenital amaurosis 6 (LCA6). Identifiers: Orphanet 65, MedGen C1854260, MONDO:0013446, OMIM 613826.
Leber congenital amaurosis (LCA). Also called: Leber's amaurosis. Identifiers: Orphanet 65, MedGen C0339527, MeSH D057130, MONDO:0018998.
Leber congenital amaurosis 1 (LCA1). Also called: AMAUROSIS CONGENITA OF LEBER I; RETINAL BLINDNESS, CONGENITAL; Congenital absence of the rods and cones; Leber's congenital tapetoretinal degeneration; Leber's congenital tapetoretinal dysplasia. Identifiers: Orphanet 65, MedGen C2931258, MONDO:0008764, OMIM 204000.

Allele frequency attached by ClinVar (database versions not stated): gnomAD exomes below 0.00001 and 0.00001; ExAC 0.00001; TOPMed 0.00001.
gnomAD v4.1: 11 of 1,613,552 alleles (0.00068%); highest among the groups gnomAD compares: South Asian, 0.0011%; no homozygotes.

Submissions (10):

PreventionGenetics, part of Exact Sciences
Classification: Pathogenic for RPGRIP1-related condition. Last evaluated: 2025-08-29. Review status: criteria provided, single submitter. Criteria: ACMG Guidelines, 2015. Collection method: clinical testing. Allele origin: germline.
Comment: The RPGRIP1 c.2941C>T variant is predicted to result in premature protein termination (p.Arg981*). This variant has been reported many times in the homozygous and compound heterozygous states in individuals with Leber congenital amaurosis or unspecified retinal disease (see for examples: Table S2, Carss et al. 2017. PubMed ID: 28041643; Weisschuh et al. 2018. PubMed ID: 30576320; Sallum et al. 2020. PubMed ID: 32865313; Table S1, Lin et al. 2024. PubMed ID: 38219857). This variant is present in 0.00089% of alleles in individuals of European (Non-Finnish) descent in gnomAD. Nonsense variants in RPGRIP1 are an established mechanism of disease. This variant is interpreted as pathogenic.

Labcorp Genetics (formerly Invitae), Labcorp
Classification: Pathogenic for Leber congenital amaurosis 6; Cone-rod dystrophy 13. Last evaluated: 2025-03-22. Review status: criteria provided, single submitter. Criteria: Invitae Variant Classification Sherloc (09022015). Collection method: clinical testing. Allele origin: germline.
Comment: This sequence change creates a premature translational stop signal (p.Arg981*) in the RPGRIP1 gene. It is expected to result in an absent or disrupted protein product. Loss-of-function variants in RPGRIP1 are known to be pathogenic (PMID: 11528500, 23105016). This variant is present in population databases (rs780667159, gnomAD 0.0009%). This premature translational stop signal has been observed in individuals with Leber congenital amaurosis (PMID: 28041643, 30576320). ClinVar contains an entry for this variant (Variation ID: 438163). For these reasons, this variant has been classified as Pathogenic.

Blueprint Genetics
Classification: Pathogenic for RPGRIP1-related disorders. Last evaluated: 2024-01-08. Review status: criteria provided, single submitter. Criteria: ACMG Guidelines, 2015. Collection method: clinical testing. Allele origin: germline. Affected: yes. Observed: 4 variant alleles.

Ophthalmic Genetics Group, Institute of Molecular and Clinical Ophthalmology Basel
Classification: Pathogenic for Leber congenital amaurosis. Last evaluated: 2023-07-24. Review status: criteria provided, single submitter. Criteria: ACMG Guidelines, 2015. Collection method: research. Allele origin: germline. Affected: yes. Observed: 1 variant allele.
Comment: Clinical significance based on ACMG v2.0

This variant was classified as Pathogenic based on ACMG criteria: PVS1, PM2, PP5.

Genome-Nilou Lab
Classification: Pathogenic for Leber congenital amaurosis 6. Last evaluated: 2021-11-07. Review status: criteria provided, single submitter. Criteria: ACMG Guidelines, 2015. Collection method: clinical testing. Allele origin: germline. Affected: no.

Genome-Nilou Lab
Classification: Pathogenic for Cone-rod dystrophy 13. Last evaluated: 2021-11-07. Review status: criteria provided, single submitter. Criteria: ACMG Guidelines, 2015. Collection method: clinical testing. Allele origin: germline. Affected: no.

Mendelics
Classification: Pathogenic for Leber congenital amaurosis 1. Last evaluated: 2019-05-28. Review status: criteria provided, single submitter. Criteria: Mendelics Assertion Criteria 2017. Collection method: clinical testing. Allele origin: unknown.

Clinical Laboratory Sciences Program (CLSP), King Saud bin Abdulaziz University for Health Sciences (KSAU-HS)
Classification: Pathogenic for Leber congenital amaurosis 6. Last evaluated: 2023-04-01. Review status: no assertion criteria provided. Collection method: clinical testing. Allele origin: germline. Affected: yes. Not counted in ClinVar's aggregate classification.

NIHR Bioresource Rare Diseases, University of Cambridge
Classification: Likely pathogenic for Leber congenital amaurosis. Last evaluated: 2015-01-01. Review status: no assertion criteria provided. Collection method: research. Allele origin: unknown. Affected: yes. Observed: 1 variant allele. Not counted in ClinVar's aggregate classification.

Laboratory of Genetics in Ophthalmology, Institut Imagine
Classification: Pathogenic for Leber congenital amaurosis 6. Review status: no assertion criteria provided. Collection method: research. Allele origin: inherited. Affected: yes. Observed: 1 variant allele. Not counted in ClinVar's aggregate classification.

Literature cited by the submitters: PubMed 11528500 (cited by Labcorp Genetics (formerly Invitae), Labcorp); PubMed 23105016 (cited by Labcorp Genetics (formerly Invitae), Labcorp); PubMed 28041643 (cited by 3 submitters); PubMed 30576320 (cited by Labcorp Genetics (formerly Invitae), Labcorp); PubMed 36909829 (cited by Ophthalmic Genetics Group, Institute of Molecular and Clinical Ophthalmology Basel).